The following is an entry in ClinVar:

ClinVar aggregate classification (germline): Uncertain significance (1 of 4 stars; one submission).

Submission:

Women's Health and Genetics/Laboratory Corporation of America, LabCorp
Classification: Uncertain significance. Last evaluated: 2026-03-24. Review status: criteria provided, single submitter. Criteria: LabCorp Variant Classification Summary - May 2015. Collection method: clinical testing. Allele origin: germline.
Comment: Variant summary: TFE3 c.1049A>G (p.Asn350Ser) results in a conservative amino acid change in the encoded protein sequence. Algorithms developed to predict the effect of missense changes on protein structure and function are either unavailable or do not agree on the potential impact of this missense change. The variant was absent in 183026 control chromosomes. The available data on variant occurrences in the general population are insufficient to allow any conclusion about variant significance. To our knowledge, no occurrence of c.1049A>G in individuals affected with TFE3-related conditions and no experimental evidence demonstrating its impact on protein function have been reported. No submitters have cited clinical-significance assessments for this variant to ClinVar. Based on the evidence outlined above, the variant was classified as uncertain significance.

NM_006521.6(TFE3):c.1049A>G (p.Asn350Ser)

Gene: TFE3 (transcription factor binding to IGHM enhancer 3; minus strand). Cytogenetic location: Xp11.23.
Variant type: single nucleotide variant.
Coding change: c.1049A>G on transcript NM_006521.6 (MANE Select); coding-DNA position 1049, A replaced by G.
Protein change: p.Asn350Ser; replaces asparagine 350 with serine.
Molecular consequence: missense variant.
Genome position (GRCh38, 1-based): chrX:49,033,737, T>C on the plus strand (A>G on the coding strand, the complement: TFE3 is on the minus strand). VCF-style: chrX-49033737-T-C. GRCh37 (hg19) VCF-style: chrX-48891252-T-C.
Other names: c.734A>G, p.Asn245Ser (NM_001282142.2); short protein forms N245S, N350S.
Identifiers: ClinVar variation 4847705 (VCV004847705.1).